The following is an entry in ClinVar:

ClinVar aggregate classification (germline): Uncertain significance. Review status: criteria provided, single submitter (1 of 4 stars). 2 submissions from 2 submitters: Uncertain significance (1). 1 of the submissions does not count toward it. Last evaluated 2022-07-25.

Conditions:
Primary ciliary dyskinesia. Also called: Ciliary dyskinesia. Identifiers: Orphanet 244, MedGen C0008780, MONDO:0016575, HP:0012265.

Allele frequency attached by ClinVar (database versions not stated): gnomAD exomes below 0.00001 and 0.00001.
gnomAD v4.1: 10 of 1,614,110 alleles (0.00062%); highest among the groups gnomAD compares: South Asian, 0.0099%; no homozygotes.

Submissions (2):

Labcorp Genetics (formerly Invitae), Labcorp
Classification: Uncertain significance for Primary ciliary dyskinesia. Last evaluated: 2022-07-25. Review status: criteria provided, single submitter. Criteria: Invitae Variant Classification Sherloc (09022015). Collection method: clinical testing. Allele origin: germline.
Comment: This sequence change replaces alanine, which is neutral and non-polar, with aspartic acid, which is acidic and polar, at codon 4083 of the DNAH5 protein (p.Ala4083Asp). This variant is present in population databases (no rsID available, gnomAD 0.003%). This variant has not been reported in the literature in individuals affected with DNAH5-related conditions. ClinVar contains an entry for this variant (Variation ID: 991996). Algorithms developed to predict the effect of missense changes on protein structure and function are either unavailable or do not agree on the potential impact of this missense change (SIFT: "Deleterious"; PolyPhen-2: "Possibly Damaging"; Align-GVGD: "Class C0"). In summary, the available evidence is currently insufficient to determine the role of this variant in disease. Therefore, it has been classified as a Variant of Uncertain Significance.

Natera, Inc.
Classification: Uncertain significance for Primary ciliary dyskinesia. Last evaluated: 2020-08-14. Review status: no assertion criteria provided. Collection method: clinical testing. Allele origin: germline. Not counted in ClinVar's aggregate classification.

NM_001369.3(DNAH5):c.12248C>A (p.Ala4083Asp)

Gene: DNAH5 (dynein axonemal heavy chain 5; minus strand). Cytogenetic location: 5p15.2.
Variant type: single nucleotide variant.
Coding change: c.12248C>A on transcript NM_001369.3 (MANE Select); coding-DNA position 12248, C replaced by A.
Protein change: p.Ala4083Asp; replaces alanine 4083 with aspartic acid.
Molecular consequence: missense variant.
Genome position (GRCh38, 1-based): chr5:13,721,031, G>T on the plus strand (C>A on the coding strand, the complement: DNAH5 is on the minus strand). VCF-style: chr5-13721031-G-T. GRCh37 (hg19) VCF-style: chr5-13721140-G-T.
Other names: short protein forms A4083D.
Identifiers: ClinVar variation 991996 (VCV000991996.3), dbSNP rs1201132518, ClinGen allele CA359213182.